The following is an entry in ClinVar:

NM_018089.3(ANKZF1):c.1012C>T (p.Arg338Cys)

Gene: ANKZF1 (ankyrin repeat and zinc finger peptidyl tRNA hydrolase 1; plus strand). Cytogenetic location: 2q35.
Variant type: single nucleotide variant.
Coding change: c.1012C>T on transcript NM_018089.3 (MANE Select); coding-DNA position 1012, C replaced by T.
Protein change: p.Arg338Cys; replaces arginine 338 with cysteine.
Molecular consequence: missense variant.
Genome position (GRCh38, 1-based): chr2:219,233,907, C>T. VCF-style: chr2-219233907-C-T. GRCh37 (hg19) VCF-style: chr2-220098629-C-T.
Other names: c.1012C>T, p.Arg338Cys (NM_001042410.2); c.382C>T, p.Arg128Cys (NM_001282792.2); short protein forms R128C, R338C.
Identifiers: ClinVar variation 1494700 (VCV001494700.6), dbSNP rs761842964, ClinGen allele CA2120926.
Genomic context (GRCh38, chr2:219,233,907, plus strand): 5'-GATCCCCGACTTTGGGATATCCCCCTCGCCACCCGCAGACCCACCTTCCAAGAGCTACAG[C>T]GTGTGCTCCATAAGCTGACCACTTTGCATGTCTATGGTGAGCCTTTGCTCCAGATCCCAA-3'
Protein context (NP_060559.2, residues 328-348): TRRPTFQELQ[Arg338Cys]VLHKLTTLHV

ClinVar aggregate classification (germline): Uncertain significance (1 of 4 stars; one submission).

Allele frequency attached by ClinVar (database versions not stated): ExAC 0.00001; gnomAD exomes 0.00002.
gnomAD v4.1: 14 of 1,602,382 alleles (0.00087%); highest among the groups gnomAD compares: Admixed American, 0.0052%; no homozygotes.

Submission:

Labcorp Genetics (formerly Invitae), Labcorp
Classification: Uncertain significance. Last evaluated: 2024-06-13. Review status: criteria provided, single submitter. Criteria: Invitae Variant Classification Sherloc (09022015). Collection method: clinical testing. Allele origin: germline.
Comment: This sequence change replaces arginine, which is basic and polar, with cysteine, which is neutral and slightly polar, at codon 338 of the ANKZF1 protein (p.Arg338Cys). This variant is present in population databases (rs761842964, gnomAD 0.01%). This variant has not been reported in the literature in individuals affected with ANKZF1-related conditions. ClinVar contains an entry for this variant (Variation ID: 1494700). An algorithm developed to predict the effect of missense changes on protein structure and function (PolyPhen-2) suggests that this variant is likely to be tolerated. In summary, the available evidence is currently insufficient to determine the role of this variant in disease. Therefore, it has been classified as a Variant of Uncertain Significance.